The following is an entry in ClinVar:

ClinVar aggregate classification (germline): Uncertain significance (1 of 4 stars; one submission).

Conditions:
Inborn genetic diseases. Identifiers: MedGen C0950123, MeSH D030342.

Submission:

Ambry Genetics
Classification: Uncertain significance for Inborn genetic diseases. Last evaluated: 2026-03-31. Review status: criteria provided, single submitter. Criteria: Ambry Variant Classification Scheme 2023. Collection method: clinical testing. Allele origin: germline.
Comment: The p.L446F variant (also known as c.1336C>T), located in coding exon 5 of the MBD4 gene, results from a C to T substitution at nucleotide position 1336. The leucine at codon 446 is replaced by phenylalanine, an amino acid with highly similar properties. This amino acid position is conserved. In addition, this alteration is predicted to be deleterious by in silico analysis. Based on the available evidence, the clinical significance of this variant remains unclear.

NM_001276270.2(MBD4):c.1336C>T (p.Leu446Phe)

Gene: MBD4 (methyl-CpG binding domain 4, DNA glycosylase; minus strand). Cytogenetic location: 3q21.3.
Variant type: single nucleotide variant.
Coding change: c.1336C>T on transcript NM_001276270.2 (MANE Select); coding-DNA position 1336, C replaced by T.
Protein change: p.Leu446Phe; replaces leucine 446 with phenylalanine.
Molecular consequence: missense variant.
Genome position (GRCh38, 1-based): chr3:129,433,907, G>A on the plus strand (C>T on the coding strand, the complement: MBD4 is on the minus strand). VCF-style: chr3-129433907-G-A. GRCh37 (hg19) VCF-style: chr3-129152750-G-A.
Other names: c.1354C>T, p.Leu452Phe (NM_001276271.2, NM_001276272.2, NM_003925.3); c.400C>T, p.Leu134Phe (NM_001276273.2); short protein forms L134F, L446F, L452F.
Identifiers: ClinVar variation 4859571 (VCV004859571.1).
Genomic context (GRCh38, chr3:129,433,907, plus strand): 5'-AACCTGAGGTCCGATTGAGAAATATAGTAGCGATGAGAAGCTTCCATGGATCATGAAAAA[G>A]TGTTTCTTGAACGAGATTAAAAGGTGACCGAGGAGGTGTCCATTTCTTAAAGGCTTTACG-3'
Protein context (NP_001263199.1, residues 436-456): RSPFNLVQET[Leu446Phe]FHDPWKLLIA